The following is an entry in ClinVar:

NM_002900.3(RBP3):c.229G>A (p.Gly77Arg)

Gene: RBP3 (retinol binding protein 3; plus strand). Cytogenetic location: 10q11.22.
Variant type: single nucleotide variant.
Coding change: c.229G>A on transcript NM_002900.3 (MANE Select); coding-DNA position 229, G replaced by A.
Protein change: p.Gly77Arg; replaces glycine 77 with arginine.
Molecular consequence: missense variant.
Genome position (GRCh38, 1-based): chr10:47,348,713, G>A. VCF-style: chr10-47348713-G-A. GRCh37 (hg19) VCF-style: chr10-48390649-C-T.
Other names: c.229G>A (NM_002900.2); short protein forms G77R.
Identifiers: ClinVar variation 1387603 (VCV001387603.8), dbSNP rs781916311, ClinGen allele CA5487837.
Genomic context (GRCh38, chr10:47,348,713, plus strand): 5'-AAGAGCCATGAGATTCTGAGCATCTCAGACCCGCAGACGCTGGCCAGTGTGCTGACAGCC[G>A]GGGTGCAGAGCTCCCTGAACGATCCTCGCCTGGTCATCTCCTATGAGCCCAGCACCCCCG-3'
Protein context (NP_002891.1, residues 67-87): PQTLASVLTA[Gly77Arg]VQSSLNDPRL

ClinVar aggregate classification (germline): Uncertain significance. Review status: criteria provided, multiple submitters, no conflicts (2 of 4 stars). 3 submissions from 3 submitters: Uncertain significance (3). Last evaluated 2024-08-07.

Conditions:
Inborn genetic diseases. Identifiers: MedGen C0950123, MeSH D030342.

Allele frequency attached by ClinVar (database versions not stated): ExAC 0.00002; gnomAD exomes 0.00003.

Submissions (3):

Ambry Genetics
Classification: Uncertain significance for Inborn genetic diseases. Last evaluated: 2024-08-07. Review status: criteria provided, single submitter. Criteria: Ambry Variant Classification Scheme 2023. Collection method: clinical testing. Allele origin: germline.

Blueprint Genetics
Classification: Uncertain significance. Last evaluated: 2024-07-22. Review status: criteria provided, single submitter. Criteria: ACMG Guidelines, 2015. Collection method: clinical testing. Allele origin: germline.

Labcorp Genetics (formerly Invitae), Labcorp
Classification: Uncertain significance. Last evaluated: 2022-11-22. Review status: criteria provided, single submitter. Criteria: Invitae Variant Classification Sherloc (09022015). Collection method: clinical testing. Allele origin: germline.
Comment: In summary, the available evidence is currently insufficient to determine the role of this variant in disease. Therefore, it has been classified as a Variant of Uncertain Significance. Algorithms developed to predict the effect of missense changes on protein structure and function (SIFT, PolyPhen-2, Align-GVGD) all suggest that this variant is likely to be disruptive. ClinVar contains an entry for this variant (Variation ID: 1387603). This variant has not been reported in the literature in individuals affected with RBP3-related conditions. This variant is present in population databases (rs781916311, gnomAD 0.01%). This sequence change replaces glycine, which is neutral and non-polar, with arginine, which is basic and polar, at codon 77 of the RBP3 protein (p.Gly77Arg).